The following is an entry in ClinVar:

NM_001267550.2(TTN):c.83337G>C (p.Lys27779Asn)

Genes: TTN (titin; minus strand), TTN-AS1 (TTN antisense RNA 1; plus strand). Cytogenetic location: 2q31.2.
Variant type: single nucleotide variant.
Coding change: c.83337G>C on transcript NM_001267550.2 (MANE Select); coding-DNA position 83337, G replaced by C.
Protein change: p.Lys27779Asn; replaces lysine 27779 with asparagine.
Molecular consequence: missense variant.
Genome position (GRCh38, 1-based): chr2:178,562,795, C>G on the plus strand (G>C on the coding strand, the complement: TTN is on the minus strand). VCF-style: chr2-178562795-C-G. GRCh37 (hg19) VCF-style: chr2-179427522-C-G.
Other names: c.78414G>C, p.Lys26138Asn (NM_001256850.1); c.56142G>C, p.Lys18714Asn (NM_003319.4); c.75633G>C, p.Lys25211Asn (NM_133378.4); c.56517G>C, p.Lys18839Asn (NM_133432.3); c.56718G>C, p.Lys18906Asn (NM_133437.4); short protein forms K18714N, K18906N, K25211N, K18839N, K26138N, K27779N.
Identifiers: ClinVar variation 4981077 (VCV004981077.1).
Genomic context (GRCh38, chr2:178,562,795, plus strand): 5'-TGTAATCTTAGCTCCACCATCAATAAGTGGTGGTTCCCAGGACAACGTCACTGAGTCTTT[C>G]TTCACTTCTCTTATGGTCAAATTCACAGGGGCACTTGGTGAGTCAAGAACTCTGACGTTA-3'
Protein context (NP_001254479.2, residues 27769-27789): APVNLTIREV[Lys27779Asn]KDSVTLSWEP

ClinVar aggregate classification (germline): Uncertain significance (1 of 4 stars; one submission).

Conditions:
TTN-related disorder. Also called: TTN-related disorders; TTN-related condition; TTN-related disease.

gnomAD v4.1: 2 of 1,613,090 alleles (0.00012%); highest among the groups gnomAD compares: Non-Finnish European, 0.00017%; no homozygotes.

Submission:

PreventionGenetics, part of Exact Sciences
Classification: Uncertain significance for TTN-related condition. Last evaluated: 2025-10-02. Review status: criteria provided, single submitter. Criteria: ACMG Guidelines, 2015. Collection method: clinical testing. Allele origin: germline.
Comment: The TTN c.83337G>C variant is predicted to result in the amino acid substitution p.Lys27779Asn. To our knowledge, this variant has not been reported in the literature. This variant is reported in 0.0065% of alleles in individuals of European (Non-Finnish) descent in gnomAD. At this time, the clinical significance of this variant is uncertain due to the absence of conclusive functional and genetic evidence.